The following is an entry in ClinVar:

ClinVar aggregate classification (germline): Likely benign. Review status: criteria provided, single submitter (1 of 4 stars). 2 submissions from 2 submitters: Likely benign (1). 1 of the submissions does not count toward it. Last evaluated 2025-02-27.

Conditions:
Carnitine palmitoyl transferase 1A deficiency. Also called: CPT I DEFICIENCY; CPT DEFICIENCY, HEPATIC, TYPE I; CPT deficiency, hepatic, type IA; Carnitine palmitoyltransferase type I deficiency; Carnitine palmitoyltransferase 1A deficiency. Identifiers: Orphanet 156, MedGen C1829703, MONDO:0009705, OMIM 255120.
CPT1A-related disorder. Also called: CPT1A-related condition.

Allele frequency attached by ClinVar (database versions not stated): gnomAD exomes 0.00001; ExAC 0.00002; gnomAD 0.00004 and 0.00005.
gnomAD v4.1: 85 of 1,613,858 alleles (0.0053%); highest among the groups gnomAD compares: Non-Finnish European, 0.0068%; no homozygotes.

Submissions (2):

Labcorp Genetics (formerly Invitae), Labcorp
Classification: Likely benign for Carnitine palmitoyl transferase 1A deficiency. Last evaluated: 2025-02-27. Review status: criteria provided, single submitter. Criteria: Invitae Variant Classification Sherloc (09022015). Collection method: clinical testing. Allele origin: germline.

PreventionGenetics, part of Exact Sciences
Classification: Likely benign for CPT1A-related condition. Last evaluated: 2020-02-12. Review status: no assertion criteria provided. Collection method: clinical testing. Allele origin: germline. Not counted in ClinVar's aggregate classification.
Comment: This variant is classified as likely benign based on ACMG/AMP sequence variant interpretation guidelines (Richards et al. 2015 PMID: 25741868, with internal and published modifications).

NM_001876.4(CPT1A):c.633C>T (p.Val211=)

Gene: CPT1A (carnitine palmitoyltransferase 1A; minus strand). Cytogenetic location: 11q13.3.
Variant type: single nucleotide variant.
Coding change: c.633C>T on transcript NM_001876.4 (MANE Select); coding-DNA position 633, C replaced by T.
Protein change: p.Val211=; no amino-acid change (valine 211 retained).
Molecular consequence: synonymous variant.
Genome position (GRCh38, 1-based): chr11:68,799,278, G>A on the plus strand (C>T on the coding strand, the complement: CPT1A is on the minus strand). VCF-style: chr11-68799278-G-A. GRCh37 (hg19) VCF-style: chr11-68566746-G-A.
Other names: c.633C>T, p.Val211= (NM_001031847.3).
Identifiers: ClinVar variation 764489 (VCV000764489.12), dbSNP rs775908039, ClinGen allele CA6152606.
Genomic context (GRCh38, chr11:68,799,278, plus strand): 5'-GTAATTTGTAGCCCACCAGGATTTTAACTTCAAATACCACTGTAATCTTGGTCCAAGACC[G>A]ACAGCAAAATCTTGAGCAAGTGCTGTCATCCGTTTGAAGTCTTCTTCCTTCATAAGAGGC-3'
Protein context (NP_001867.2, residues 201-221): RMTALAQDFA[Val211=]GLGPRLQWYL